The following is an entry in ClinVar:

ClinVar aggregate classification (germline): Benign/Likely benign. Review status: criteria provided, multiple submitters, no conflicts (2 of 4 stars). 3 submissions from 3 submitters: Benign (1); Likely benign (1). 1 of the submissions does not count toward it. Last evaluated 2026-01-11.

Conditions:
QRSL1-related disorder. Also called: QRSL1-related condition.

Allele frequency attached by ClinVar (database versions not stated): gnomAD exomes 0.00008; ExAC 0.00030; gnomAD 0.00110; TOPMed 0.00111; ESP Exome Variant Server 0.00131; 1000 Genomes Project 0.00140; 1000 Genomes Project 30x 0.00141.
gnomAD v4.1: 296 of 1,614,156 alleles (0.018%); highest among the groups gnomAD compares: African/African-American, 0.34%; no homozygotes.

Submissions (3):

Labcorp Genetics (formerly Invitae), Labcorp
Classification: Benign. Last evaluated: 2026-01-11. Review status: criteria provided, single submitter. Criteria: Invitae Variant Classification Sherloc (09022015). Collection method: clinical testing. Allele origin: germline.

Blueprint Genetics
Classification: Likely benign. Last evaluated: 2024-05-13. Review status: criteria provided, single submitter. Criteria: ACMG Guidelines, 2015. Collection method: clinical testing. Allele origin: germline.

PreventionGenetics, part of Exact Sciences
Classification: Likely benign for QRSL1-related condition. Last evaluated: 2019-07-12. Review status: no assertion criteria provided. Collection method: clinical testing. Allele origin: germline. Not counted in ClinVar's aggregate classification.
Comment: This variant is classified as likely benign based on ACMG/AMP sequence variant interpretation guidelines (Richards et al. 2015 PMID: 25741868, with internal and published modifications).

NM_018292.5(QRSL1):c.678G>A (p.Ser226=)

Gene: QRSL1 (glutaminyl-tRNA amidotransferase subunit QRSL1; plus strand). Cytogenetic location: 6q21.
Variant type: single nucleotide variant.
Coding change: c.678G>A on transcript NM_018292.5 (MANE Select); coding-DNA position 678, G replaced by A.
Protein change: p.Ser226=; no amino-acid change (serine 226 retained).
Molecular consequence: synonymous variant.
Genome position (GRCh38, 1-based): chr6:106,652,329, G>A. VCF-style: chr6-106652329-G-A. GRCh37 (hg19) VCF-style: chr6-107100204-G-A.
Other names: c.678G>A (NM_018292.4).
Identifiers: ClinVar variation 2067982 (VCV002067982.7), dbSNP rs112965704, ClinGen allele CA3944826.